The following is an entry in ClinVar:

ClinVar aggregate classification (germline): Uncertain significance (1 of 4 stars; one submission).

Submission:

GeneDx
Classification: Uncertain significance. Last evaluated: 2025-04-24. Review status: criteria provided, single submitter. Criteria: GeneDx Variant Classification Process June 2021. Collection method: clinical testing. Allele origin: germline. Affected: yes.
Comment: Not observed at significant frequency in large population cohorts (gnomAD); In silico analysis supports that this missense variant has a deleterious effect on protein structure/function; Has not been previously published as pathogenic or benign to our knowledge

NM_001130438.3(SPTAN1):c.338G>T (p.Gly113Val)

Gene: SPTAN1 (spectrin alpha, non-erythrocytic 1; plus strand). Cytogenetic location: 9q34.11.
Variant type: single nucleotide variant.
Coding change: c.338G>T on transcript NM_001130438.3 (MANE Select); coding-DNA position 338, G replaced by T.
Protein change: p.Gly113Val; replaces glycine 113 with valine.
Molecular consequence: missense variant.
Genome position (GRCh38, 1-based): chr9:128,568,872, G>T. VCF-style: chr9-128568872-G-T. GRCh37 (hg19) VCF-style: chr9-131331151-G-T.
Other names: c.338G>T, p.Gly113Val (NM_001195532.2, NM_001363759.2, NM_001363765.2 and 10 more transcripts); c.374G>T, p.Gly125Val (NM_001375312.2, NM_001375318.1, NM_001438440.1); short protein forms G113V, G125V.
Identifiers: ClinVar variation 4527581 (VCV004527581.1).